The following is an entry in ClinVar:

ClinVar aggregate classification (germline): Pathogenic. Review status: criteria provided, multiple submitters, no conflicts (2 of 4 stars). 4 submissions from 4 submitters: Pathogenic (3). 1 of the submissions does not count toward it. Last evaluated 2022-12-10.

Conditions:
Lung cancer. Also called: Lung cancer, somatic; Malignant tumor of lung. Identifiers: MedGen C0242379, MONDO:0008903, OMIM 211980.
Cockayne syndrome type 2 (CSB). Also called: COCKAYNE SYNDROME B; Cockayne Syndrome, Type II. Identifiers: Orphanet 191, Orphanet 90322, MedGen C0751038, MONDO:0019570, OMIM 133540.
DE SANCTIS-CACCHIONE SYNDROME. Identifiers: MedGen C0265201, MONDO:0010217, OMIM 278800.
UV-sensitive syndrome 1 (UVSS1). Identifiers: Orphanet 178338, MedGen C3551173, MONDO:0010909, OMIM 600630.
Premature ovarian failure 11 (POF11). Identifiers: MedGen C4310783, MONDO:0014843, OMIM 616946.
Cerebrooculofacioskeletal syndrome 1 (COFS1). Also called: Cerebro-oculo-facio-skeletal syndrome 1. Identifiers: MedGen C0220722, MONDO:0008955, OMIM 214150.
Age related macular degeneration 5. Identifiers: MedGen C3151063, MONDO:0013409, OMIM 613761.
ERCC6-related disorder. Also called: ERCC6-related condition; ERCC6-related disorders. Identifiers: MedGen CN239385.

Submissions (4):

Labcorp Genetics (formerly Invitae), Labcorp
Classification: Pathogenic. Last evaluated: 2022-12-10. Review status: criteria provided, single submitter. Criteria: Invitae Variant Classification Sherloc (09022015). Collection method: clinical testing. Allele origin: germline.
Comment: This variant is also known as c.2092_2093insG. For these reasons, this variant has been classified as Pathogenic. ClinVar contains an entry for this variant (Variation ID: 1034077). This premature translational stop signal has been observed in individual(s) with Cockayne syndrome (PMID: 29572252). This variant is present in population databases (no rsID available, gnomAD 0.01%). This sequence change creates a premature translational stop signal (p.Thr699Hisfs*61) in the ERCC6 gene. It is expected to result in an absent or disrupted protein product. Loss-of-function variants in ERCC6 are known to be pathogenic (PMID: 18628313, 29572252).

Fulgent Genetics
Classification: Pathogenic for Cockayne syndrome type 2; Lung cancer; Cerebrooculofacioskeletal syndrome 1; DE SANCTIS-CACCHIONE SYNDROME; UV-sensitive syndrome 1; Age related macular degeneration 5; Premature ovarian failure 11. Last evaluated: 2022-03-07. Review status: criteria provided, single submitter. Criteria: ACMG Guidelines, 2015. Collection method: clinical testing. Allele origin: unknown.

Baylor Genetics
Classification: Pathogenic for Cerebrooculofacioskeletal syndrome 1. Last evaluated: 2018-02-01. Review status: criteria provided, single submitter. Criteria: ACMG Guidelines, 2015. Collection method: clinical testing. Allele origin: maternal. Affected: yes.
Comment: This variant was determined to be pathogenic according to ACMG Guidelines, 2015 [PMID:25741868].

PreventionGenetics, part of Exact Sciences
Classification: Pathogenic for ERCC6-related condition. Last evaluated: 2024-08-07. Review status: no assertion criteria provided. Collection method: clinical testing. Allele origin: germline. Not counted in ClinVar's aggregate classification.
Comment: The ERCC6 c.2093dupG variant is predicted to result in a frameshift and premature protein termination (p.Thr699Hisfs*61). This variant has been reported in compound heterozygous state in individuals with Cockayne syndrome (see for example, Table 2. Calmels et al 2018. PubMed ID: 29572252). This variant is reported in 0.011% of alleles in individuals of African descent in gnomAD. Frameshift variants in ERCC6 are expected to be pathogenic. This variant is interpreted as pathogenic.

Literature cited by the submitters: PubMed 29572252 (cited by Labcorp Genetics (formerly Invitae), Labcorp); PubMed 18628313 (cited by Labcorp Genetics (formerly Invitae), Labcorp).

NM_000124.4(ERCC6):c.2093dup (p.Thr699fs)

Gene: ERCC6 (ERCC excision repair 6, chromatin remodeling factor; minus strand). Cytogenetic location: 10q11.23.
Variant type: Duplication.
Coding change: c.2093dup on transcript NM_000124.4 (MANE Select); coding-DNA position 2093, one base duplicated (G; older notation c.2093dupG).
Protein change: p.Thr699fs; shifts the reading frame from threonine 699.
Molecular consequence: frameshift variant.
Genome position (GRCh38, 1-based): chr10:49,482,763, C duplicated on the plus strand (G on the coding strand, the reverse complement: ERCC6 is on the minus strand); the first of 2 consecutive C bases (chr10:49,482,763-49,482,764); duplicating either gives the same sequence. VCF-style (leftmost placement, unchanged base first): chr10-49482762-G-GC. GRCh37 (hg19) VCF-style: chr10-50690808-G-GC.
Other names: c.2093dup, p.Thr699fs (NM_001346440.2); c.2093dupG (NM_000124.3); short protein forms T699fs.
Identifiers: ClinVar variation 1034077 (VCV001034077.7), dbSNP rs1439211546, ClinGen allele CA593780673.